The following is an entry in ClinVar:

NM_133259.4(LRPPRC):c.2119dup (p.Ser707fs)

Gene: LRPPRC (leucine rich pentatricopeptide repeat containing; minus strand). Cytogenetic location: 2p21.
Variant type: Duplication.
Coding change: c.2119dup on transcript NM_133259.4 (MANE Select); coding-DNA position 2119, one base duplicated (T; older notation c.2119dupT).
Protein change: p.Ser707fs; shifts the reading frame from serine 707.
Molecular consequence: frameshift variant.
Genome position (GRCh38, 1-based): chr2:43,946,204, A duplicated on the plus strand (T on the coding strand, the reverse complement: LRPPRC is on the minus strand). VCF-style (leftmost placement, unchanged base first): chr2-43946203-G-GA. GRCh37 (hg19) VCF-style: chr2-44173342-G-GA.
Other names: short protein forms S707fs.
Identifiers: ClinVar variation 1726102 (VCV001726102.2), dbSNP rs2466565444, ClinGen allele CA2580066508.
Genomic context (GRCh38, chr2:43,946,203, plus strand): 5'-ACTTTATCATGTCGACAGCATAAATTTATTAAAGCTGCATAGCCACCAGTAACCATGTCG[G>GA]ATTCATATTTTGCTTTCAATTCAAGGGCTTTTTGCATATTCTAAAATACAGCATAGATGT-3'

ClinVar aggregate classification (germline): Likely pathogenic (1 of 4 stars; one submission).

Conditions:
Congenital lactic acidosis, Saguenay-Lac-Saint-Jean type (MC4DN5). Also called: CYTOCHROME c OXIDASE DEFICIENCY, FRENCH CANADIAN TYPE; COX DEFICIENCY, FRENCH CANADIAN TYPE; MITOCHONDRIAL COMPLEX IV DEFICIENCY, NUCLEAR TYPE 5. Identifiers: Orphanet 70472, MedGen C1857355, MONDO:0009069, OMIM 220111.

Submission:

Myriad Genetics, Inc.
Classification: Likely pathogenic for Congenital lactic acidosis, Saguenay-Lac-Saint-Jean type. Last evaluated: 2022-05-18. Review status: criteria provided, single submitter. Criteria: Myriad Women's Health Autosomal Recessive and X-Linked Classification Criteria (2021). Collection method: clinical testing. Allele origin: unknown.
Comment: NM_133259.3(LRPPRC):c.2119dupT(S707Ffs*19) is expected to be pathogenic in the context of Leigh syndrome, French-Canadian type. This variant is predicted to lead to an abnormal or absent protein product due to the creation of a premature termination codon in LRPPRC, a gene where loss-of-function variants are known to be pathogenic. Please note: this variant was assessed in the context of healthy population screening.